The following is an entry in ClinVar:

ClinVar aggregate classification (germline): Uncertain significance (0 of 4 stars; one submission).

Allele frequency attached by ClinVar (database versions not stated): ExAC 0.00010; gnomAD 0.00011 and 0.00012; TOPMed 0.00010; ESP Exome Variant Server 0.00015.
gnomAD v4.1: 221 of 1,551,052 alleles (0.014%); highest among the groups gnomAD compares: Non-Finnish European, 0.018%; no homozygotes.

Submission:

Martin Pollak Laboratory,  Beth Israel Deaconess Medical Center
Classification: Uncertain significance. Review status: no assertion criteria provided. Collection method: not provided. Allele origin: unknown.
Comment: Higher UCa2+ group
ClinVar note: Converted during submission from unknown to Uncertain significance.

NM_004070.4(CLCNKA):c.74G>A (p.Cys25Tyr)

Gene: CLCNKA (chloride voltage-gated channel Ka; plus strand). Cytogenetic location: 1p36.13.
Variant type: single nucleotide variant.
Coding change: c.74G>A on transcript NM_004070.4 (MANE Select); coding-DNA position 74, G replaced by A.
Protein change: p.Cys25Tyr; replaces cysteine 25 with tyrosine.
Molecular consequence: missense variant.
Genome position (GRCh38, 1-based): chr1:16,022,693, G>A. VCF-style: chr1-16022693-G-A. GRCh37 (hg19) VCF-style: chr1-16349188-G-A.
Other names: c.74G>A, p.Cys25Tyr (NM_001042704.2, NM_001257139.2); short protein forms C25Y.
Identifiers: ClinVar variation 64462 (VCV000064462.2), dbSNP rs373577135, ClinGen allele CA216196.